The following is an entry in ClinVar:

NM_177531.6(PKHD1L1):c.7337C>T (p.Pro2446Leu)

Gene: PKHD1L1 (PKHD1 like 1; plus strand). Cytogenetic location: 8q23.1.
Variant type: single nucleotide variant.
Coding change: c.7337C>T on transcript NM_177531.6 (MANE Select); coding-DNA position 7337, C replaced by T.
Protein change: p.Pro2446Leu; replaces proline 2446 with leucine.
Molecular consequence: missense variant.
Genome position (GRCh38, 1-based): chr8:109,461,862, C>T. VCF-style: chr8-109461862-C-T. GRCh37 (hg19) VCF-style: chr8-110474091-C-T.
Other names: short protein forms P2446L.
Identifiers: ClinVar variation 4980833 (VCV004980833.1).

ClinVar aggregate classification (germline): Uncertain significance (1 of 4 stars; one submission).

Conditions:
PKHD1L1-related disorder. Also called: PKHD1L1-related condition.

gnomAD v4.1: 140 of 1,605,400 alleles (0.0087%); highest among the groups gnomAD compares: Admixed American, 0.019%; no homozygotes.

Submission:

PreventionGenetics, part of Exact Sciences
Classification: Uncertain significance for PKHD1L1-related condition. Last evaluated: 2025-10-31. Review status: criteria provided, single submitter. Criteria: ACMG Guidelines, 2015. Collection method: clinical testing. Allele origin: germline.
Comment: The PKHD1L1 c.7337C>T variant is predicted to result in the amino acid substitution p.Pro2446Leu. To our knowledge, this variant has not been reported in the literature. This variant is reported in 0.012% of alleles in individuals of Latino descent in gnomAD. At this time, the clinical significance of this variant is uncertain due to the absence of conclusive functional and genetic evidence.